The following is an entry in ClinVar:

ClinVar aggregate classification (germline): Uncertain significance (1 of 4 stars; one submission).

Allele frequency attached by ClinVar (database versions not stated): ExAC 0.00001; gnomAD 0.00001; gnomAD exomes 0.00003; TOPMed 0.00003.

Submission:

Labcorp Genetics (formerly Invitae), Labcorp
Classification: Uncertain significance. Last evaluated: 2026-02-02. Review status: criteria provided, single submitter. Criteria: Invitae Variant Classification Sherloc (09022015). Collection method: clinical testing. Allele origin: germline.
Comment: This sequence change replaces isoleucine, which is neutral and non-polar, with valine, which is neutral and non-polar, at codon 423 of the TOP2B protein (p.Ile423Val). This variant is present in population databases (rs775683110, gnomAD 0.007%). This variant has not been reported in the literature in individuals affected with TOP2B-related conditions. ClinVar contains an entry for this variant (Variation ID: 2415076). An algorithm developed to predict the effect of missense changes on protein structure and function (PolyPhen-2) suggests that this variant is likely to be tolerated. In summary, the available evidence is currently insufficient to determine the role of this variant in disease. Therefore, it has been classified as a Variant of Uncertain Significance.

NM_001330700.2(TOP2B):c.1282A>G (p.Ile428Val)

Gene: TOP2B (DNA topoisomerase II beta; minus strand). Cytogenetic location: 3p24.2.
Variant type: single nucleotide variant.
Coding change: c.1282A>G on transcript NM_001330700.2 (MANE Select); coding-DNA position 1282, A replaced by G.
Protein change: p.Ile428Val; replaces isoleucine 428 with valine.
Molecular consequence: missense variant.
Genome position (GRCh38, 1-based): chr3:25,630,924, T>C on the plus strand (A>G on the coding strand, the complement: TOP2B is on the minus strand). VCF-style: chr3-25630924-T-C. GRCh37 (hg19) VCF-style: chr3-25672415-T-C.
Other names: c.1267A>G, p.Ile423Val (NM_001068.3); short protein forms I423V, I428V.
Identifiers: ClinVar variation 2415076 (VCV002415076.6), dbSNP rs775683110, ClinGen allele CA2288698.